The following is an entry in ClinVar:

ClinVar aggregate classification (germline): Likely benign. Review status: criteria provided, multiple submitters, no conflicts (2 of 4 stars). 2 submissions from 2 submitters: Likely benign (2). Last evaluated 2025-04-21.

Conditions:
Developmental and epileptic encephalopathy, 53. Also called: Epileptic encephalopathy, early infantile, 53. Identifiers: MedGen C4479313, MONDO:0033362, OMIM 617389.
Early-onset Parkinson disease 20. Also called: PARKINSON DISEASE 20, AUTOSOMAL RECESSIVE EARLY-ONSET. Identifiers: Orphanet 391411, MedGen C3809824, MONDO:0014233, OMIM 615530.

Allele frequency attached by ClinVar (database versions not stated): TOPMed below 0.00001; gnomAD exomes 0.00001; ExAC 0.00004.
gnomAD v4.1: 16 of 1,610,760 alleles (0.00099%); highest among the groups gnomAD compares: Non-Finnish European, 0.00017%; no homozygotes.

Submissions (2):

Labcorp Genetics (formerly Invitae), Labcorp
Classification: Likely benign for Developmental and epileptic encephalopathy, 53; Early-onset Parkinson disease 20. Last evaluated: 2025-04-21. Review status: criteria provided, single submitter. Criteria: Invitae Variant Classification Sherloc (09022015). Collection method: clinical testing. Allele origin: germline.

CeGaT Center for Human Genetics Tuebingen
Classification: Likely benign. Last evaluated: 2023-06-01. Review status: criteria provided, single submitter. Criteria: CeGaT Center For Human Genetics Tuebingen Variant Classification Criteria Version 2. Collection method: clinical testing. Allele origin: germline. Affected: yes. Observed: 1 variant allele.
Comment: SYNJ1: BP4, BP7

NM_203446.3(SYNJ1):c.*801A>G

Gene: SYNJ1 (synaptojanin 1; minus strand). Cytogenetic location: 21q22.11.
Variant type: single nucleotide variant.
Coding change: c.*801A>G on transcript NM_203446.3 (MANE Select); 801 bases downstream of the stop codon, A replaced by G.
Molecular consequence: 3 prime UTR variant. On other transcripts: synonymous variant (2).
Genome position (GRCh38, 1-based): chr21:32,631,004, T>C on the plus strand (A>G on the coding strand, the complement: SYNJ1 is on the minus strand). VCF-style: chr21-32631004-T-C. GRCh37 (hg19) VCF-style: chr21-34003314-T-C.
Other names: c.*801A>G (NM_001160302.2); c.4572A>G, p.Thr1524= (NM_001160306.2); c.4830A>G, p.Thr1610= (NM_003895.4).
Identifiers: ClinVar variation 2156232 (VCV002156232.28), dbSNP rs747065956, ClinGen allele CA10003035.